The following is an entry in ClinVar:

NM_000474.4(TWIST1):c.236C>A (p.Ala79Glu)

Gene: TWIST1 (twist family bHLH transcription factor 1; minus strand). Cytogenetic location: 7p21.1.
Variant type: single nucleotide variant.
Coding change: c.236C>A on transcript NM_000474.4 (MANE Select); coding-DNA position 236, C replaced by A.
Protein change: p.Ala79Glu; replaces alanine 79 with glutamic acid.
Molecular consequence: missense variant. On other transcripts: non-coding transcript variant (1).
Genome position (GRCh38, 1-based): chr7:19,117,086, G>T on the plus strand (C>A on the coding strand, the complement: TWIST1 is on the minus strand). VCF-style: chr7-19117086-G-T. GRCh37 (hg19) VCF-style: chr7-19156709-G-T.
Other names: short protein forms A79E.
Identifiers: ClinVar variation 4828743 (VCV004828743.1).

ClinVar aggregate classification (germline): Uncertain significance (1 of 4 stars; one submission).

Conditions:
Inborn genetic diseases. Identifiers: MedGen C0950123, MeSH D030342.

Submission:

Ambry Genetics
Classification: Uncertain significance for Inborn genetic diseases. Last evaluated: 2026-01-09. Review status: criteria provided, single submitter. Criteria: Ambry Variant Classification Scheme 2023. Collection method: clinical testing. Allele origin: germline.
Comment: The c.236C>A (p.A79E) alteration is located in exon 1 (coding exon 1) of the TWIST1 gene. This alteration results from a C to A substitution at nucleotide position 236, causing the alanine (A) at amino acid position 79 to be replaced by a glutamic acid (E). Based on data from gnomAD, the A allele has an overall frequency of 0.004% (1/27324) total alleles studied. The highest observed frequency was 0.012% (1/8222) of African alleles. Based on insufficient or conflicting evidence, the clinical significance of this alteration remains unclear.